The following is an entry in ClinVar:

ClinVar aggregate classification (germline): Uncertain significance. Review status: criteria provided, multiple submitters, no conflicts (2 of 4 stars). 2 submissions from 2 submitters: Uncertain significance (2). Last evaluated 2025-12-13.

Conditions:
Gingival disorder. Also called: Gingival disease. Identifiers: MedGen C0017563, MONDO:0002021.

Allele frequency attached by ClinVar (database versions not stated): gnomAD exomes 0.00010 and 0.00022; ExAC 0.00011; TOPMed 0.00012; ESP Exome Variant Server 0.00038; gnomAD 0.00009 and 0.00010.
gnomAD v4.1: 331 of 1,613,776 alleles (0.021%); highest among the groups gnomAD compares: Non-Finnish European, 0.027%; no homozygotes.

Submissions (2):

Labcorp Genetics (formerly Invitae), Labcorp
Classification: Uncertain significance for Gingival disorder. Last evaluated: 2025-12-13. Review status: criteria provided, single submitter. Criteria: Invitae Variant Classification Sherloc (09022015). Collection method: clinical testing. Allele origin: germline.
Comment: This sequence change replaces alanine, which is neutral and non-polar, with valine, which is neutral and non-polar, at codon 225 of the FPR1 protein (p.Ala225Val). This variant is present in population databases (rs141913828, gnomAD 0.02%). This variant has not been reported in the literature in individuals affected with FPR1-related conditions. ClinVar contains an entry for this variant (Variation ID: 526509). An algorithm developed to predict the effect of missense changes on protein structure and function (PolyPhen-2) suggests that this variant is likely to be disruptive. In summary, the available evidence is currently insufficient to determine the role of this variant in disease. Therefore, it has been classified as a Variant of Uncertain Significance.

Ambry Genetics
Classification: Uncertain significance. Last evaluated: 2021-06-11. Review status: criteria provided, single submitter. Criteria: Ambry Variant Classification Scheme 2023. Collection method: clinical testing. Allele origin: germline.

NM_002029.4(FPR1):c.674C>T (p.Ala225Val)

Gene: FPR1 (formyl peptide receptor 1; minus strand). Cytogenetic location: 19q13.41.
Variant type: single nucleotide variant.
Coding change: c.674C>T on transcript NM_002029.4 (MANE Select); coding-DNA position 674, C replaced by T.
Protein change: p.Ala225Val; replaces alanine 225 with valine.
Molecular consequence: missense variant.
Genome position (GRCh38, 1-based): chr19:51,746,321, G>A on the plus strand (C>T on the coding strand, the complement: FPR1 is on the minus strand). VCF-style: chr19-51746321-G-A. GRCh37 (hg19) VCF-style: chr19-52249574-G-A.
Other names: c.674C>T, p.Ala225Val (NM_001193306.2); short protein forms A225V.
Identifiers: ClinVar variation 526509 (VCV000526509.12), dbSNP rs141913828, ClinGen allele CA9616402.
Genomic context (GRCh38, chr19:51,746,321, plus strand): 5'-AAGGAGAGGACCCGTAAGGGACGACTGGACTTAATCAAGCCTTGCTTGTGGATCTTGGTG[G>A]CAATAAGCCCATAACTGACAGCAACGATGGACATGGGTGCGCTGAAGCCAATGATGAACC-3'
Protein context (NP_002020.1, residues 215-235): SIVAVSYGLI[Ala225Val]TKIHKQGLIK